The following is an entry in ClinVar:

ClinVar aggregate classification (germline): Likely pathogenic (1 of 4 stars; one submission).

Submission:

Labcorp Genetics (formerly Invitae), Labcorp
Classification: Likely pathogenic. Last evaluated: 2019-11-09. Review status: criteria provided, single submitter. Criteria: Invitae Variant Classification Sherloc (09022015). Collection method: clinical testing. Allele origin: germline.
Comment: This sequence change affects a donor splice site in intron 8 of the EIF2B5 gene. It is expected to disrupt RNA splicing and likely results in an absent or disrupted protein product. This variant is not present in population databases (ExAC no frequency). This variant has not been reported in the literature in individuals with EIF2B5-related conditions. Donor and acceptor splice site variants typically lead to a loss of protein function (PMID: 16199547), and loss-of-function variants in EIF2B5 are known to be pathogenic (PMID: 11704758, 15060152, 21307862). In summary, the currently available evidence indicates that the variant is pathogenic, but additional data are needed to prove that conclusively. Therefore, this variant has been classified as Likely Pathogenic. Algorithms developed to predict the effect of sequence changes on RNA splicing suggest that this variant may disrupt the consensus splice site, but this prediction has not been confirmed by published transcriptional studies.

Literature cited by the submitters: PubMed 16199547; PubMed 11704758; PubMed 15060152; PubMed 21307862.

NM_003907.3(EIF2B5):c.1302+1G>T

Gene: EIF2B5 (eukaryotic translation initiation factor 2B subunit epsilon; plus strand). Cytogenetic location: 3q27.1.
Variant type: single nucleotide variant.
Coding change: c.1302+1G>T on transcript NM_003907.3 (MANE Select); the canonical splice donor site of the intron after coding-DNA position 1302, G replaced by T.
Molecular consequence: splice donor variant.
Genome position (GRCh38, 1-based): chr3:184,142,071, G>T. VCF-style: chr3-184142071-G-T. GRCh37 (hg19) VCF-style: chr3-183859859-G-T.
Identifiers: ClinVar variation 968100 (VCV000968100.8), dbSNP rs1713659739, ClinGen allele CA355387480.